The following is an entry in ClinVar:

NM_001100.4(ACTA1):c.670G>C (p.Asp224His)

Gene: ACTA1 (actin alpha 1, skeletal muscle; minus strand). Cytogenetic location: 1q42.13.
Variant type: single nucleotide variant.
Coding change: c.670G>C on transcript NM_001100.4 (MANE Select); coding-DNA position 670, G replaced by C.
Protein change: p.Asp224His; replaces aspartic acid 224 with histidine.
Molecular consequence: missense variant.
Genome position (GRCh38, 1-based): chr1:229,432,132, C>G on the plus strand (G>C on the coding strand, the complement: ACTA1 is on the minus strand). VCF-style: chr1-229432132-C-G. GRCh37 (hg19) VCF-style: chr1-229567879-C-G.
Other names: short protein forms D224H.
Identifiers: ClinVar variation 3664443 (VCV003664443.2).
Genomic context (GRCh38, chr1:229,432,132, plus strand): 5'-GCTCGTAGCTCTTTTCCAGGGAGGAGGAGGAGGCGGCCGTCGCCATCTCGTTCTCGAAGT[C>G]CAGGGCCACGTAGCACAGCTTCTCCTTGATGTCGCGCACGATCTCGCGCTCAGCTGCGGA-3'
Protein context (NP_001091.1, residues 214-234): IKEKLCYVAL[Asp224His]FENEMATAAS

ClinVar aggregate classification (germline): Uncertain significance (1 of 4 stars; one submission).

Conditions:
Actin accumulation myopathy (CMYO2A). Also called: Myopathy, actin, congenital, with cores; Nemaline myopathy 3, with intranuclear rods; Nemaline myopathy type 3; Myopathy, actin, congenital, with excess of thin myofilaments; CONGENITAL MYOPATHY 2A, TYPICAL, AUTOSOMAL DOMINANT. Identifiers: Orphanet 98904, MedGen C3711389, MONDO:0008070, OMIM 161800.

Submission:

Labcorp Genetics (formerly Invitae), Labcorp
Classification: Uncertain significance for Actin accumulation myopathy. Last evaluated: 2024-09-13. Review status: criteria provided, single submitter. Criteria: Invitae Variant Classification Sherloc (09022015). Collection method: clinical testing. Allele origin: germline.
Comment: This sequence change replaces aspartic acid, which is acidic and polar, with histidine, which is basic and polar, at codon 224 of the ACTA1 protein (p.Asp224His). This variant is not present in population databases (gnomAD no frequency). This variant has not been reported in the literature in individuals affected with ACTA1-related conditions. Invitae Evidence Modeling of protein sequence and biophysical properties (such as structural, functional, and spatial information, amino acid conservation, physicochemical variation, residue mobility, and thermodynamic stability) has been performed for this missense variant. However, the output from this modeling did not meet the statistical confidence thresholds required to predict the impact of this variant on ACTA1 protein function. In summary, the available evidence is currently insufficient to determine the role of this variant in disease. Therefore, it has been classified as a Variant of Uncertain Significance.